The following is an entry in ClinVar:

NM_000264.5(PTCH1):c.3128G>A (p.Cys1043Tyr)

Gene: PTCH1 (patched 1; minus strand). Cytogenetic location: 9q22.32.
Variant type: single nucleotide variant.
Coding change: c.3128G>A on transcript NM_000264.5 (MANE Select); coding-DNA position 3128, G replaced by A.
Protein change: p.Cys1043Tyr; replaces cysteine 1043 with tyrosine.
Molecular consequence: missense variant. On other transcripts: non-coding transcript variant (1).
Genome position (GRCh38, 1-based): chr9:95,458,053, C>T on the plus strand (G>A on the coding strand, the complement: PTCH1 is on the minus strand). VCF-style: chr9-95458053-C-T. GRCh37 (hg19) VCF-style: chr9-98220335-C-T.
Other names: c.2930G>A, p.Cys977Tyr (NM_001083602.3); c.3125G>A, p.Cys1042Tyr (NM_001083603.3); c.2675G>A, p.Cys892Tyr (NM_001083604.3, NM_001083605.3, NM_001083606.3 and 1 more transcripts); c.2972G>A, p.Cys991Tyr (NM_001354918.2); short protein forms C892Y, C1042Y, C977Y, C1043Y, C991Y.
Identifiers: ClinVar variation 3427253 (VCV003427253.1).
Genomic context (GRCh38, chr9:95,458,053, plus strand): 5'-GCCCCTTATAATACACTCACAATGATCCCGGCCGTCCAGGGGTTCAGAAGGAAGACAGCG[C>T]ACACGAGGAATGTGCAGGCCAACACCACGCTGATGAACAGCAGCAGCCAGTGGCGGAGGC-3'
Protein context (NP_000255.2, residues 1033-1053): SVVLACTFLV[Cys1043Tyr]AVFLLNPWTA

ClinVar aggregate classification (germline): Uncertain significance (1 of 4 stars; one submission).

Conditions:
Hereditary cancer-predisposing syndrome. Also called: Neoplastic Syndromes, Hereditary; Tumor predisposition; Hereditary Cancer Syndrome; Hereditary neoplastic syndrome. Identifiers: Orphanet 140162, MedGen C0027672, MeSH D009386, MONDO:0015356.

Submission:

Ambry Genetics
Classification: Uncertain significance for Hereditary cancer-predisposing syndrome. Last evaluated: 2024-08-01. Review status: criteria provided, single submitter. Criteria: Ambry Variant Classification Scheme 2023. Collection method: clinical testing. Allele origin: germline.
Comment: The p.C1043Y variant (also known as c.3128G>A), located in coding exon 18 of the PTCH1 gene, results from a G to A substitution at nucleotide position 3128. The cysteine at codon 1043 is replaced by tyrosine, an amino acid with highly dissimilar properties. This amino acid position is conserved. In addition, this alteration is predicted to be deleterious by in silico analysis. Based on the available evidence, the clinical significance of this variant remains unclear.